The following is an entry in ClinVar:

NM_018124.4(RFWD3):c.889G>A (p.Ala297Thr)

Gene: RFWD3 (ring finger and WD repeat domain 3; minus strand). Cytogenetic location: 16q23.1.
Variant type: single nucleotide variant.
Coding change: c.889G>A on transcript NM_018124.4 (MANE Select); coding-DNA position 889, G replaced by A.
Protein change: p.Ala297Thr; replaces alanine 297 with threonine.
Molecular consequence: missense variant.
Genome position (GRCh38, 1-based): chr16:74,644,639, C>T on the plus strand (G>A on the coding strand, the complement: RFWD3 is on the minus strand). VCF-style: chr16-74644639-C-T. GRCh37 (hg19) VCF-style: chr16-74678537-C-T.
Other names: c.889G>A, p.Ala297Thr (NM_001370534.1, NM_001370535.1, NM_001370536.1); c.55G>A, p.Ala19Thr (NM_001370537.1, NM_001370539.1, NM_001370540.1 and 3 more transcripts); c.889G>A (NM_018124.3); short protein forms A19T, A297T.
Identifiers: ClinVar variation 2041412 (VCV002041412.6), dbSNP rs138454127, ClinGen allele CA8169399.
Genomic context (GRCh38, chr16:74,644,639, plus strand): 5'-AAATGCACCTATACCCAAAGAGATGCCCACAGCGTAATGCTGAGAGCCGGTGGTCCCCAG[C>T]ATTGGTCCACTGTTCCAGACATATTGTACAAGTGTCCCCTTCTTCCTCATCCATAGAAGC-3'
Protein context (NP_060594.3, residues 287-307): CTICLEQWTN[Ala297Thr]GDHRLSALRC

ClinVar aggregate classification (germline): Likely benign. Review status: criteria provided, single submitter (1 of 4 stars). 2 submissions from 2 submitters: Likely benign (1). 1 of the submissions does not count toward it. Last evaluated 2026-02-01.

Conditions:
RFWD3-related disorder. Also called: RFWD3-related condition.

Allele frequency attached by ClinVar (database versions not stated): TOPMed 0.00020; gnomAD 0.00027; ESP Exome Variant Server 0.00031; gnomAD exomes 0.00044; ExAC 0.00074; 1000 Genomes Project 0.00120; 1000 Genomes Project 30x 0.00125.

Submissions (2):

Labcorp Genetics (formerly Invitae), Labcorp
Classification: Likely benign. Last evaluated: 2026-02-01. Review status: criteria provided, single submitter. Criteria: Invitae Variant Classification Sherloc (09022015). Collection method: clinical testing. Allele origin: germline.

PreventionGenetics, part of Exact Sciences
Classification: Likely benign for RFWD3-related condition. Last evaluated: 2022-11-08. Review status: no assertion criteria provided. Collection method: clinical testing. Allele origin: germline. Not counted in ClinVar's aggregate classification.
Comment: This variant is classified as likely benign based on ACMG/AMP sequence variant interpretation guidelines (Richards et al. 2015 PMID: 25741868, with internal and published modifications).